The following is an entry in ClinVar:

NM_001148.6(ANK2):c.7706_7707inv (p.Ala2569Val)

Genes: ANK2 (ankyrin 2; plus strand), LOC126807137 (CDK7 strongly-dependent group 2 enhancer GRCh37_chr4:114276560-114277759; plus strand). Cytogenetic location: 4q26.
Variant type: Inversion.
Coding change: c.7706_7707inv on transcript NM_001148.6 (MANE Select).
Protein change: p.Ala2569Val; replaces alanine 2569 with valine.
Molecular consequence: missense variant. On other transcripts: intron variant (68).
Genome position: GRCh38 VCF-style: chr4-113356324-CA-TG. GRCh37 (hg19) VCF-style: chr4-114277480-CA-TG.
Other names: c.7706_7707delCAinsTG (NM_001148.4); c.7472_7473inv, p.Ala2491Val (NM_001386142.1); c.4106_4107inv, p.Ala1369Val (NM_001386166.1); c.7847_7848inv, p.Ala2616Val (NM_001386174.1); c.7823_7824inv, p.Ala2608Val (NM_001386175.1); c.4412-4499_4412-4498inv (NM_001386186.2, NM_001386148.2); c.4214-4499_4214-4498inv (NM_001354269.3); c.4292-4499_4292-4498inv (NM_001386187.2); and 36 more; short protein forms A2569V, A1369V, A2491V, A2608V, A2616V.
Identifiers: ClinVar variation 526998 (VCV000526998.12), ClinGen allele CA658796453.
Genomic context (GRCh38, chr4:113,356,324, plus strand): 5'-AGGTTACACCCAAAACCACAGATGTAAGTACACCAAAACCAGCTGTGATTCATGAATGTG[CA>TG]GAGGAGGATGATTCAGAAAACGGGGAGAAAAAGAGGTTCACACCTGAAGAGGAGATGTTT-3'
Protein context (NP_001139.3, residues 2559-2579): TPKPAVIHEC[Ala2569Val]EEDDSENGEK

ClinVar aggregate classification (germline): Conflicting classifications of pathogenicity. Review status: criteria provided, conflicting classifications (1 of 4 stars). 3 submissions from 3 submitters: Uncertain significance (2); Likely benign (1). Last evaluated 2026-09-09.

Conditions:
Long QT syndrome (LQTS). Identifiers: MedGen C0023976, MeSH D008133, MONDO:0002442. Disease mechanism: loss of function. Inheritance: Various modes of inheritance.
ANK2-related disorder. Also called: ANK2-related condition.
Cardiovascular phenotype. Identifiers: MedGen CN230736.

Submissions (3):

PreventionGenetics, part of Exact Sciences
Classification: Uncertain significance for ANK2-related condition. Last evaluated: 2026-09-09. Review status: criteria provided, single submitter. Criteria: ACMG Guidelines, 2015. Collection method: clinical testing. Allele origin: germline.
Comment: The ANK2 c.7706_7707delinsTG variant is predicted to result in an in-frame deletion and insertion. To our knowledge, this variant has not been reported in the literature or in a large population database (gnomAD), indicating this variant is rare. At this time, the clinical significance of this variant is uncertain due to the absence of conclusive functional and genetic evidence.

Labcorp Genetics (formerly Invitae), Labcorp
Classification: Uncertain significance for Long QT syndrome. Last evaluated: 2023-12-06. Review status: criteria provided, single submitter. Criteria: Invitae Variant Classification Sherloc (09022015). Collection method: clinical testing. Allele origin: germline.
Comment: This sequence change replaces alanine, which is neutral and non-polar, with valine, which is neutral and non-polar, at codon 2569 of the ANK2 protein (p.Ala2569Val). This variant is present in population databases (no rsID available, gnomAD 0.002%). This variant has not been reported in the literature in individuals affected with ANK2-related conditions. ClinVar contains an entry for this variant (Variation ID: 526998). Algorithms developed to predict the effect of missense changes on protein structure and function output the following: SIFT: "Not Available"; PolyPhen-2: "Benign"; Align-GVGD: "Not Available". The valine amino acid residue is found in multiple mammalian species, which suggests that this missense change does not adversely affect protein function. In summary, the available evidence is currently insufficient to determine the role of this variant in disease. Therefore, it has been classified as a Variant of Uncertain Significance.

Ambry Genetics
Classification: Likely benign for Cardiovascular phenotype. Last evaluated: 2020-10-13. Review status: criteria provided, single submitter. Criteria: Ambry Variant Classification Scheme 2023. Collection method: clinical testing. Allele origin: germline.